The following is an entry in ClinVar:

ClinVar aggregate classification (germline): Likely benign. Review status: criteria provided, multiple submitters, no conflicts (2 of 4 stars). 2 submissions from 2 submitters: Likely benign (2). Last evaluated 2025-04-01.

Allele frequency attached by ClinVar (database versions not stated): TOPMed 0.00015; 1000 Genomes Project 30x 0.00016; 1000 Genomes Project 0.00020; ESP Exome Variant Server 0.00023; ExAC 0.00052; gnomAD 0.00067.
gnomAD v4.1: 523 of 1,611,488 alleles (0.032%); highest among the groups gnomAD compares: Non-Finnish European, 0.027%; no homozygotes.

Submissions (2):

CeGaT Center for Human Genetics Tuebingen
Classification: Likely benign. Last evaluated: 2025-04-01. Review status: criteria provided, single submitter. Criteria: CeGaT Center For Human Genetics Tuebingen Variant Classification Criteria Version 2. Collection method: clinical testing. Allele origin: germline. Affected: yes. Observed: 2 variant alleles.
Comment: PKD1: BP4, BP7

Blueprint Genetics
Classification: Likely benign. Last evaluated: 2024-05-14. Review status: criteria provided, single submitter. Criteria: ACMG Guidelines, 2015. Collection method: clinical testing. Allele origin: germline.

NM_001009944.3(PKD1):c.12651C>T (p.Ala4217=)

Gene: PKD1 (polycystin 1, transient receptor potential channel interacting; minus strand). Cytogenetic location: 16p13.3.
Variant type: single nucleotide variant.
Coding change: c.12651C>T on transcript NM_001009944.3 (MANE Select); coding-DNA position 12651, C replaced by T.
Protein change: p.Ala4217=; no amino-acid change (alanine 4217 retained).
Molecular consequence: synonymous variant.
Genome position (GRCh38, 1-based): chr16:2,089,988, G>A on the plus strand (C>T on the coding strand, the complement: PKD1 is on the minus strand). VCF-style: chr16-2089988-G-A. GRCh37 (hg19) VCF-style: chr16-2139989-G-A.
Other names: c.12648C>T, p.Ala4216= (NM_000296.4).
Identifiers: ClinVar variation 2645977 (VCV002645977.25), dbSNP rs141412586, ClinGen allele CA7828513.